The following is an entry in ClinVar:

NM_001267550.2(TTN):c.69544A>C (p.Lys23182Gln)

Genes: TTN (titin; minus strand), TTN-AS1 (TTN antisense RNA 1; plus strand). Cytogenetic location: 2q31.2.
Variant type: single nucleotide variant.
Coding change: c.69544A>C on transcript NM_001267550.2 (MANE Select); coding-DNA position 69544, A replaced by C.
Protein change: p.Lys23182Gln; replaces lysine 23182 with glutamine.
Molecular consequence: missense variant.
Genome position (GRCh38, 1-based): chr2:178,576,700, T>G on the plus strand (A>C on the coding strand, the complement: TTN is on the minus strand). VCF-style: chr2-178576700-T-G. GRCh37 (hg19) VCF-style: chr2-179441427-T-G.
Other names: c.42349A>C, p.Lys14117Gln (NM_003319.4); c.61840A>C, p.Lys20614Gln (NM_133378.4); c.42724A>C, p.Lys14242Gln (NM_133432.3); c.42925A>C, p.Lys14309Gln (NM_133437.4); c.64621A>C, p.Lys21541Gln (NM_001256850.1); short protein forms K14117Q, K14242Q, K14309Q, K20614Q, K21541Q, K23182Q.
Identifiers: ClinVar variation 4687144 (VCV004687144.1).

ClinVar aggregate classification (germline): Uncertain significance (1 of 4 stars; one submission).

gnomAD v4.1: 1 of 1,613,444 alleles (0.000062%); highest among the groups gnomAD compares: African/African-American, 0.0013%; no homozygotes.

Submission:

Women's Health and Genetics/Laboratory Corporation of America, LabCorp
Classification: Uncertain significance. Last evaluated: 2025-10-21. Review status: criteria provided, single submitter. Criteria: LabCorp Variant Classification Summary - May 2015. Collection method: clinical testing. Allele origin: germline.
Comment: Variant summary: TTN c.61840A>C (p.Lys20614Gln) results in a conservative amino acid change in the encoded protein sequence. Algorithms developed to predict the effect of missense changes on protein structure and function are either unavailable or do not agree on the potential impact of this missense change. The variant was absent in 248802 control chromosomes. The available data on variant occurrences in the general population are insufficient to allow any conclusion about variant significance. To our knowledge, no occurrence of c.61840A>C in individuals affected with TTN-related conditions and no experimental evidence demonstrating its impact on protein function have been reported. No submitters have cited clinical-significance assessments for this variant to ClinVar. Based on the evidence outlined above, the variant was classified as uncertain significance.